The following is an entry in ClinVar:

ClinVar aggregate classification (germline): Uncertain significance (1 of 4 stars; one submission).

Conditions:
Neutrophil immunodeficiency syndrome. Also called: Immunodeficiency 73A with defective neutrophil chemotaxis and leukocytosis. Identifiers: Orphanet 183707, MedGen C1842398, MONDO:0011988, OMIM 608203.

Submission:

Labcorp Genetics (formerly Invitae), Labcorp
Classification: Uncertain significance for Neutrophil immunodeficiency syndrome. Last evaluated: 2019-07-18. Review status: criteria provided, single submitter. Criteria: Invitae Variant Classification Sherloc (09022015). Collection method: clinical testing. Allele origin: germline.
Comment: Algorithms developed to predict the effect of missense changes on protein structure and function are either unavailable or do not agree on the potential impact of this missense change (SIFT: "Deleterious"; PolyPhen-2: "Possibly Damaging"; Align-GVGD: "Class C0"). In summary, the available evidence is currently insufficient to determine the role of this variant in disease. Therefore, it has been classified as a Variant of Uncertain Significance. This variant has not been reported in the literature in individuals with RAC2-related disease. This variant is not present in population databases (ExAC no frequency). This sequence change replaces aspartic acid with asparagine at codon 11 of the RAC2 protein (p.Asp11Asn). The aspartic acid residue is highly conserved and there is a small physicochemical difference between aspartic acid and asparagine.

NM_002872.5(RAC2):c.31G>A (p.Asp11Asn)

Genes: RAC2 (Rac family small GTPase 2; minus strand), LOC130067357 (ATAC-STARR-seq lymphoblastoid active region 18957; plus strand). Cytogenetic location: 22q13.1.
Variant type: single nucleotide variant.
Coding change: c.31G>A on transcript NM_002872.5 (MANE Select); coding-DNA position 31, G replaced by A.
Protein change: p.Asp11Asn; replaces aspartic acid 11 with asparagine.
Molecular consequence: missense variant.
Genome position (GRCh38, 1-based): chr22:37,244,118, C>T on the plus strand (G>A on the coding strand, the complement: RAC2 is on the minus strand). VCF-style: chr22-37244118-C-T. GRCh37 (hg19) VCF-style: chr22-37640158-C-T.
Other names: short protein forms D11N.
Identifiers: ClinVar variation 663023 (VCV000663023.11), dbSNP rs1601679010, ClinGen allele CA411444104.
Genomic context (GRCh38, chr22:37,244,118, plus strand): 5'-AAGGATCTCAGGGCATCCCAGTTGGGGGCTGTGAGGAAGTCCAGCCAGGTACCTACCCAT[C>T]TCCCACCACCACACACTTGATGGCCTGCATCGTGTCCGGAGCCTGGAGAGTGTCGGTGGT-3'
Protein context (NP_002863.1, residues 1-21): MQAIKCVVVG[Asp11Asn]GAVGKTCLLI